The following is an entry in ClinVar:

NM_015937.6(PIGT):c.1126C>G (p.His376Asp)

Gene: PIGT (phosphatidylinositol glycan anchor biosynthesis class T; plus strand). Cytogenetic location: 20q13.12.
Variant type: single nucleotide variant.
Coding change: c.1126C>G on transcript NM_015937.6 (MANE Select); coding-DNA position 1126, C replaced by G.
Protein change: p.His376Asp; replaces histidine 376 with aspartic acid.
Molecular consequence: missense variant. On other transcripts: non-coding transcript variant (5), intron variant (1).
Genome position (GRCh38, 1-based): chr20:45,421,475, C>G. VCF-style: chr20-45421475-C-G. GRCh37 (hg19) VCF-style: chr20-44050115-C-G.
Other names: c.958C>G, p.His320Asp (NM_001184728.3); c.820C>G, p.His274Asp (NM_001184730.3); c.1033+782C>G (NM_001184729.3); short protein forms H320D, H376D, H274D.
Identifiers: ClinVar variation 2905834 (VCV002905834.3), dbSNP rs1180476220, ClinGen allele CA409169223.

ClinVar aggregate classification (germline): Uncertain significance (1 of 4 stars; one submission).

Conditions:
Multiple congenital anomalies-hypotonia-seizures syndrome 3 (MCAHS3). Also called: GLYCOSYLPHOSPHATIDYLINOSITOL BIOSYNTHESIS DEFECT 7. Identifiers: Orphanet 369837, MedGen C3809356, MONDO:0014165, OMIM 615398.

Submission:

Labcorp Genetics (formerly Invitae), Labcorp
Classification: Uncertain significance for Multiple congenital anomalies-hypotonia-seizures syndrome 3. Last evaluated: 2022-11-02. Review status: criteria provided, single submitter. Criteria: Invitae Variant Classification Sherloc (09022015). Collection method: clinical testing. Allele origin: germline.
Comment: This sequence change replaces histidine, which is basic and polar, with aspartic acid, which is acidic and polar, at codon 376 of the PIGT protein (p.His376Asp). In summary, the available evidence is currently insufficient to determine the role of this variant in disease. Therefore, it has been classified as a Variant of Uncertain Significance. Advanced modeling of protein sequence and biophysical properties (such as structural, functional, and spatial information, amino acid conservation, physicochemical variation, residue mobility, and thermodynamic stability) performed at Invitae indicates that this missense variant is not expected to disrupt PIGT protein function. This variant has not been reported in the literature in individuals affected with PIGT-related conditions. This variant is not present in population databases (gnomAD no frequency).